The following is an entry in ClinVar:

NM_001367624.2(ZNF469):c.2130_2132delinsCCG (p.Pro711Arg)

Gene: ZNF469 (zinc finger protein 469; plus strand). Cytogenetic location: 16q24.2.
Variant type: Indel.
Coding change: c.2130_2132delinsCCG on transcript NM_001367624.2 (MANE Select); coding-DNA positions 2130 to 2132, TCC replaced by CCG.
Protein change: p.Pro711Arg; replaces proline 711 with arginine.
Molecular consequence: missense variant.
Genome position (GRCh38, 1-based): chr16:88,429,600-88,429,602, TCC replaced by CCG. VCF-style: chr16-88429600-TCC-CCG. GRCh37 (hg19) VCF-style: chr16-88496008-TCC-CCG.
Other names: NM_001127464.1:c.2130_2132delTCCinsCCG; short protein forms P711R.
Identifiers: ClinVar variation 1786384 (VCV001786384.4), dbSNP rs2507577602, ClinGen allele CA2580092226.

ClinVar aggregate classification (germline): Conflicting classifications of pathogenicity. Review status: criteria provided, conflicting classifications (1 of 4 stars). 2 submissions from 2 submitters: Uncertain significance (1); Likely benign (1). Last evaluated 2025-11-04.

Conditions:
Cardiovascular phenotype. Identifiers: MedGen CN230736.

Submissions (2):

Women's Health and Genetics/Laboratory Corporation of America, LabCorp
Classification: Uncertain significance. Last evaluated: 2025-11-04. Review status: criteria provided, single submitter. Criteria: LabCorp Variant Classification Summary - May 2015. Collection method: clinical testing. Allele origin: germline.
Comment: Variant summary: ZNF469 c.2130_2132delinsCCG (p.Pro711Arg) results in a non-conservative amino acid change in the encoded protein sequence. Algorithms developed to predict the effect of missense changes on protein structure and function are either unavailable or do not agree on the potential impact of this missense change. A constituent SNV, c.2132C>G, of the variant allele was found at a frequency of 0.00022 (40 heterozygotes and 0 homozygotes) in 178454 control chromosomes, predominantly at a frequency of 0.00083 within the Latino subpopulation in the gnomAD database. This frequency is not significantly higher than estimated for a pathogenic variant in ZNF469 causing Brittle Cornea Syndrome 1 (0.00022 vs 0.0011), allowing no conclusion about variant significance. The other constituent SNV of this variant allele, c.2130T>C, was found at a frequency of 0.6865 in control chromosomes in the gnomAD database (v2.1.1), and therefore, the c.2130T>C constituent SNV likely represents a benign polymorphism. To our knowledge, no occurrence of c.2130_2132delinsCCG in individuals affected with ZNF469-related conditions and no experimental evidence demonstrating its impact on protein function have been reported. ClinVar contains an entry for this variant (Variation ID: 1786384). Based on the evidence outlined above, the variant was classified as uncertain significance.

Ambry Genetics
Classification: Likely benign for Cardiovascular phenotype. Last evaluated: 2022-04-13. Review status: criteria provided, single submitter. Criteria: Ambry Variant Classification Scheme 2023. Collection method: clinical testing. Allele origin: germline.